The following is an entry in ClinVar:

NM_025099.6(CTC1):c.1147del (p.Ala384fs)

Gene: CTC1 (CST telomere replication complex component 1; minus strand). Cytogenetic location: 17p13.1.
Variant type: Deletion.
Coding change: c.1147del on transcript NM_025099.6 (MANE Select); coding-DNA position 1147, one base deleted (C; older notation c.1147delC).
Protein change: p.Ala384fs; shifts the reading frame from alanine 384.
Molecular consequence: frameshift variant. On other transcripts: non-coding transcript variant (1).
Genome position (GRCh38, 1-based): chr17:8,235,890, G deleted on the plus strand (C on the coding strand, the reverse complement: CTC1 is on the minus strand); the first of 2 consecutive G bases (chr17:8,235,890-8,235,891); deleting either gives the same sequence. VCF-style (leftmost placement, unchanged base first): chr17-8235889-AG-A. GRCh37 (hg19) VCF-style: chr17-8139207-AG-A.
Other names: c.1147del, p.Ala384fs (NM_001411067.1); short protein forms A384fs.
Identifiers: ClinVar variation 2698802 (VCV002698802.3), dbSNP rs2507929172, ClinGen allele CA2697559401.

ClinVar aggregate classification (germline): Pathogenic (1 of 4 stars; one submission).

Conditions:
Dyskeratosis congenita. Identifiers: Orphanet 1775, MedGen C0265965, MONDO:0015780.

Submission:

Labcorp Genetics (formerly Invitae), Labcorp
Classification: Pathogenic for Dyskeratosis congenita. Last evaluated: 2023-11-25. Review status: criteria provided, single submitter. Criteria: Invitae Variant Classification Sherloc (09022015). Collection method: clinical testing. Allele origin: germline.
Comment: This sequence change creates a premature translational stop signal (p.Ala384Profs*11) in the CTC1 gene. It is expected to result in an absent or disrupted protein product. Loss-of-function variants in CTC1 are known to be pathogenic (PMID: 22267198, 22387016). This variant is not present in population databases (gnomAD no frequency). This variant has not been reported in the literature in individuals affected with CTC1-related conditions. For these reasons, this variant has been classified as Pathogenic.

Literature cited by the submitters: PubMed 22267198; PubMed 22387016.